The following is an entry in ClinVar:

ClinVar aggregate classification (germline): Uncertain significance. Review status: criteria provided, multiple submitters, no conflicts (2 of 4 stars). 3 submissions from 3 submitters: Uncertain significance (3). Last evaluated 2024-08-05.

Conditions:
Inborn genetic diseases. Identifiers: MedGen C0950123, MeSH D030342.

Allele frequency attached by ClinVar (database versions not stated): gnomAD exomes 0.00003 and 0.00006; ExAC 0.00004; gnomAD 0.00011; TOPMed 0.00012.
gnomAD v4.1: 63 of 1,612,620 alleles (0.0039%); highest among the groups gnomAD compares: Admixed American, 0.022%; no homozygotes.

Submissions (3):

Blueprint Genetics
Classification: Uncertain significance. Last evaluated: 2024-08-05. Review status: criteria provided, single submitter. Criteria: ACMG Guidelines, 2015. Collection method: clinical testing. Allele origin: germline.

Ambry Genetics
Classification: Uncertain significance for Inborn genetic diseases. Last evaluated: 2023-12-22. Review status: criteria provided, single submitter. Criteria: Ambry Variant Classification Scheme 2023. Collection method: clinical testing. Allele origin: germline.

Labcorp Genetics (formerly Invitae), Labcorp
Classification: Uncertain significance. Last evaluated: 2022-08-09. Review status: criteria provided, single submitter. Criteria: Invitae Variant Classification Sherloc (09022015). Collection method: clinical testing. Allele origin: germline.
Comment: This sequence change replaces arginine, which is basic and polar, with cysteine, which is neutral and slightly polar, at codon 456 of the SGPL1 protein (p.Arg456Cys). This variant is present in population databases (rs778595060, gnomAD 0.09%). This variant has not been reported in the literature in individuals affected with SGPL1-related conditions. ClinVar contains an entry for this variant (Variation ID: 1521359). Algorithms developed to predict the effect of missense changes on protein structure and function are either unavailable or do not agree on the potential impact of this missense change (SIFT: "Deleterious"; PolyPhen-2: "Benign"; Align-GVGD: "Class C15"). In summary, the available evidence is currently insufficient to determine the role of this variant in disease. Therefore, it has been classified as a Variant of Uncertain Significance.

NM_003901.4(SGPL1):c.1366C>T (p.Arg456Cys)

Gene: SGPL1 (sphingosine-1-phosphate lyase 1; plus strand). Cytogenetic location: 10q22.1.
Variant type: single nucleotide variant.
Coding change: c.1366C>T on transcript NM_003901.4 (MANE Select); coding-DNA position 1366, C replaced by T.
Protein change: p.Arg456Cys; replaces arginine 456 with cysteine.
Molecular consequence: missense variant.
Genome position (GRCh38, 1-based): chr10:70,875,469, C>T. VCF-style: chr10-70875469-C-T. GRCh37 (hg19) VCF-style: chr10-72635226-C-T.
Other names: c.1366C>T (NM_003901.3); short protein forms R456C.
Identifiers: ClinVar variation 1521359 (VCV001521359.7), dbSNP rs778595060, ClinGen allele CA5541450.